The following is an entry in ClinVar:

ClinVar aggregate classification (germline): Likely benign. Review status: criteria provided, single submitter (1 of 4 stars). 2 submissions from 2 submitters: Likely benign (1). 1 of the submissions does not count toward it. Last evaluated 2024-03-01.

Conditions:
MYOF-related disorder. Also called: MYOF-related condition.

Allele frequency attached by ClinVar (database versions not stated): 1000 Genomes Project 0.00140; 1000 Genomes Project 30x 0.00172; TOPMed 0.00199; gnomAD 0.00202; ExAC 0.00248; ESP Exome Variant Server 0.00275.
gnomAD v4.1: 4,962 of 1,613,702 alleles (0.31%); highest among the groups gnomAD compares: Middle Eastern, 0.48%; 15 homozygotes.

Submissions (2):

CeGaT Center for Human Genetics Tuebingen
Classification: Likely benign. Last evaluated: 2024-03-01. Review status: criteria provided, single submitter. Criteria: CeGaT Center For Human Genetics Tuebingen Variant Classification Criteria Version 2. Collection method: clinical testing. Allele origin: germline. Affected: yes. Observed: 1 variant allele.
Comment: MYOF: BP4, BS2

PreventionGenetics, part of Exact Sciences
Classification: Likely benign for MYOF-related condition. Last evaluated: 2022-05-20. Review status: no assertion criteria provided. Collection method: clinical testing. Allele origin: germline. Not counted in ClinVar's aggregate classification.
Comment: This variant is classified as likely benign based on ACMG/AMP sequence variant interpretation guidelines (Richards et al. 2015 PMID: 25741868, with internal and published modifications).

NM_013451.4(MYOF):c.5591C>T (p.Ala1864Val)

Gene: MYOF (myoferlin; minus strand). Cytogenetic location: 10q23.33.
Variant type: single nucleotide variant.
Coding change: c.5591C>T on transcript NM_013451.4 (MANE Select); coding-DNA position 5591, C replaced by T.
Protein change: p.Ala1864Val; replaces alanine 1864 with valine.
Molecular consequence: missense variant.
Genome position (GRCh38, 1-based): chr10:93,319,879, G>A on the plus strand (C>T on the coding strand, the complement: MYOF is on the minus strand). VCF-style: chr10-93319879-G-A. GRCh37 (hg19) VCF-style: chr10-95079636-G-A.
Other names: c.5552C>T, p.Ala1851Val (NM_133337.3); short protein forms A1851V, A1864V.
Identifiers: ClinVar variation 3042231 (VCV003042231.22), dbSNP rs146626145, ClinGen allele CA5606647.